The following is an entry in ClinVar:

ClinVar aggregate classification (germline): Pathogenic/Likely pathogenic. Review status: criteria provided, multiple submitters, no conflicts (2 of 4 stars). 6 submissions from 6 submitters: Pathogenic (4); Likely pathogenic (1). 1 of the submissions does not count toward it. Last evaluated 2024-10-11.

Conditions:
Hereditary breast ovarian cancer syndrome. Also called: Hereditary breast and ovarian cancer; Hereditary breast and/or ovarian cancer syndrome; Hereditary breast and ovarian cancer syndrome (HBOC); Breast and ovarian cancer; BRCA1- and BRCA2-Associated Hereditary Breast and Ovarian Cancer; Hereditary breast and ovarian cancer syndrome. Identifiers: Orphanet 145, MedGen C0677776, MeSH D061325, MONDO:0003582. Disease mechanism: loss of function.
Hereditary cancer-predisposing syndrome. Also called: Tumor predisposition; Hereditary Cancer Syndrome; Hereditary neoplastic syndrome; Neoplastic Syndromes, Hereditary. Identifiers: Orphanet 140162, MedGen C0027672, MeSH D009386, MONDO:0015356.
Breast-ovarian cancer, familial, susceptibility to, 2 (BROVCA2). Also called: BRCA2 Hereditary Breast and Ovarian Cancer. Identifiers: Orphanet 145, MedGen C2675520, MONDO:0012933, OMIM 612555. Disease mechanism: loss of function.
Familial cancer of breast. Also called: Hereditary breast cancer; BREAST CANCER, FAMILIAL; hereditary breast carcinoma. Identifiers: Orphanet 227535, MedGen C0346153, MONDO:0016419, OMIM 114480. Disease mechanism: loss of function.

Submissions (6):

Labcorp Genetics (formerly Invitae), Labcorp
Classification: Pathogenic for Hereditary breast ovarian cancer syndrome. Last evaluated: 2024-10-11. Review status: criteria provided, single submitter. Criteria: Invitae Variant Classification Sherloc (09022015). Collection method: clinical testing. Allele origin: germline.
Comment: This sequence change creates a premature translational stop signal (p.Phe1524Ilefs*18) in the BRCA2 gene. It is expected to result in an absent or disrupted protein product. Loss-of-function variants in BRCA2 are known to be pathogenic (PMID: 20104584). This variant is not present in population databases (gnomAD no frequency). This premature translational stop signal has been observed in individual(s) with breast cancer (PMID: 26187060). ClinVar contains an entry for this variant (Variation ID: 371845). For these reasons, this variant has been classified as Pathogenic.

KCCC/NGS Laboratory, Kuwait Cancer Control Center
Classification: Pathogenic for Breast-ovarian cancer, familial, susceptibility to, 2. Last evaluated: 2023-06-06. Review status: criteria provided, single submitter. Criteria: ACMG Guidelines, 2015. Collection method: clinical testing. Allele origin: germline. Affected: yes.
Comment: A known pathogenic mutation was detected in the BRCA2 gene (c.4570_4573delTTTC). This sequence change creates a premature translational stop signal (p.Phe1524Ilefs*18) in the BRCA2 gene. It is expected to result in an absent or disrupted protein product. This variant is not present in population databases (ExAC no frequency). This variant has been observed in an individual affected with breast cancer (PMID: 26187060). ClinVar contains an entry for this variant (Variation ID: 371845) with 4 submissions of which describer it as pathogenic. Loss-of-function variants in BRCA2 are known to be pathogenic (PMID: 20104584). Therefore, this variant has been classified as Pathogenic.

Baylor Genetics
Classification: Pathogenic for Familial cancer of breast. Last evaluated: 2022-09-29. Review status: criteria provided, single submitter. Criteria: ACMG Guidelines, 2015. Collection method: clinical testing. Allele origin: unknown.

Color Diagnostics, LLC DBA Color Health
Classification: Pathogenic for Hereditary cancer-predisposing syndrome. Last evaluated: 2020-01-15. Review status: criteria provided, single submitter. Criteria: ACMG Guidelines, 2015. Collection method: clinical testing. Allele origin: germline.
Comment: This variant deletes 4 nucleotides in exon 11 of the BRCA2 gene, creating a frameshift and premature translation stop signal. This variant is expected to result in an absent or non-functional protein product. This variant has not been identified in the general population by the Genome Aggregation Database (gnomAD). Loss of BRCA2 function is a known mechanism of disease. Based on the available evidence, this variant is classified as Pathogenic.

Women's Health and Genetics/Laboratory Corporation of America, LabCorp
Classification: Likely pathogenic for Hereditary breast and ovarian cancer syndrome. Last evaluated: 2018-04-23. Review status: criteria provided, single submitter. Criteria: LabCorp Variant Classification Summary - May 2015. Collection method: clinical testing. Allele origin: germline.
Comment: Variant summary: BRCA2 c.4570_4573delTTTC (p.Phe1524IlefsX18) results in a premature termination codon, predicted to cause a truncation of the encoded protein or absence of the protein due to nonsense mediated decay, which are commonly known mechanisms for disease. Truncations downstream of this position have been classified as pathogenic by our laboratory (eg. c.4587dupG, p.Lys1530fsX4; c.4631delA, p.Asn1544fsX24; c.4631dupA, p.Asn1544fsX4). The variant was absent in 120602 control chromosomes. c.4570_4573delTTTC has been reported in the literature in one individual affected with breast cancer (Kwong_2015). To our knowledge, no experimental evidence demonstrating an impact on protein function has been reported. One clinical diagnostic laboratory has submitted clinical-significance assessments for this variant to ClinVar after 2014 without evidence for independent evaluation. One laboratory classified the variant as likely pathogenic. Based on the evidence outlined above, the variant was classified as likely pathogenic.

Counsyl
Classification: Likely pathogenic for Breast-ovarian cancer, familial, susceptibility to, 2. Last evaluated: 2016-05-05. Review status: no assertion criteria provided. Collection method: clinical testing. Allele origin: unknown. Not counted in ClinVar's aggregate classification.

Literature cited by the submitters: PubMed 20104584 (cited by Labcorp Genetics (formerly Invitae), Labcorp); PubMed 26187060 (cited by 3 submitters).

NM_000059.4(BRCA2):c.4570_4573del (p.Phe1524fs)

Gene: BRCA2 (BRCA2 DNA repair associated; plus strand). Cytogenetic location: 13q13.1.
Variant type: Deletion.
Coding change: c.4570_4573del on transcript NM_000059.4 (MANE Select); coding-DNA positions 4570 to 4573, 4 bases deleted (TTTC; older notation c.4570_4573delTTTC).
Protein change: p.Phe1524fs; shifts the reading frame from phenylalanine 1524.
Molecular consequence: frameshift variant.
Genome position (GRCh38, 1-based): chr13:32,338,925-32,338,928, TTTC deleted. VCF-style (leftmost placement, unchanged base first): chr13-32338924-TTTTC-T. GRCh37 (hg19) VCF-style: chr13-32913061-TTTTC-T.
Other names: c.4570_4573delTTTC (NM_000059.3); short protein forms F1524fs.
Identifiers: ClinVar variation 371845 (VCV000371845.22), dbSNP rs1057517565, ClinGen allele CA16042140.